The following is an entry in ClinVar:

NM_001943.5(DSG2):c.505G>T (p.Glu169Ter)

Gene: DSG2 (desmoglein 2; plus strand). Cytogenetic location: 18q12.1.
Variant type: single nucleotide variant.
Coding change: c.505G>T on transcript NM_001943.5 (MANE Select); coding-DNA position 505, G replaced by T.
Protein change: p.Glu169Ter; replaces glutamic acid 169 with a stop codon.
Molecular consequence: nonsense.
Genome position (GRCh38, 1-based): chr18:31,521,225, G>T. VCF-style: chr18-31521225-G-T. GRCh37 (hg19) VCF-style: chr18-29101188-G-T.
Other names: short protein forms E169*.
Identifiers: ClinVar variation 2826490 (VCV002826490.3), dbSNP rs2510911170, ClinGen allele CA402132456.
Genomic context (GRCh38, chr18:31,521,225, plus strand): 5'-GTTCTTGATATCAATGACAACGAACCAGTGTTCACACAGGATGTCTTTGTTGGGTCTGTT[G>T]AAGAGTTGAGTGCAGCACGTAAGAGTCTTTTTTTTTTTTTTTAATAAATAAATACCTAAG-3'

ClinVar aggregate classification (germline): Pathogenic (1 of 4 stars; one submission).

Conditions:
Arrhythmogenic right ventricular dysplasia 10. Also called: Arrhythmogenic right ventricular dysplasia/cardiomyopathy, type 10; Arrhythmogenic Right Ventricular Dysplasia/Cardiomyopathy10; ARRHYTHMOGENIC RIGHT VENTRICULAR DYSPLASIA, FAMILIAL, 10. Identifiers: MedGen C1857777, MONDO:0012434, OMIM 610193.

Submission:

Labcorp Genetics (formerly Invitae), Labcorp
Classification: Pathogenic for Arrhythmogenic right ventricular dysplasia 10. Last evaluated: 2023-01-06. Review status: criteria provided, single submitter. Criteria: Invitae Variant Classification Sherloc (09022015). Collection method: clinical testing. Allele origin: germline.
Comment: For these reasons, this variant has been classified as Pathogenic. This variant has not been reported in the literature in individuals affected with DSG2-related conditions. This variant is not present in population databases (gnomAD no frequency). This sequence change creates a premature translational stop signal (p.Glu169*) in the DSG2 gene. It is expected to result in an absent or disrupted protein product. Loss-of-function variants in DSG2 are known to be pathogenic (PMID: 17105751, 31386562).

Literature cited by the submitters: PubMed 17105751; PubMed 31386562.